The following is an entry in ClinVar:

ClinVar aggregate classification (germline): Benign/Likely benign. Review status: criteria provided, multiple submitters, no conflicts (2 of 4 stars). 9 submissions from 9 submitters: Benign (6); Likely benign (2). 1 of the submissions does not count toward it. Last evaluated 2026-02-01.

Conditions:
Upshaw-Schulman syndrome (TTP). Also called: THROMBOTIC THROMBOCYTOPENIC PURPURA, HEREDITARY; Congenital thrombotic thrombocytopenic purpura. Identifiers: Orphanet 93583, MedGen C1268935, MONDO:0010122, OMIM 274150.
ADAMTS13-related disorder. Also called: ADAMTS13-related condition.

Allele frequency attached by ClinVar (database versions not stated): TOPMed 0.01017; ExAC 0.01288; 1000 Genomes Project 0.01458; 1000 Genomes Project 30x 0.01577; ESP Exome Variant Server 0.00300; gnomAD 0.00571.

Submissions (9):

Labcorp Genetics (formerly Invitae), Labcorp
Classification: Benign. Last evaluated: 2026-02-01. Review status: criteria provided, single submitter. Criteria: Invitae Variant Classification Sherloc (09022015). Collection method: clinical testing. Allele origin: germline.

Blueprint Genetics
Classification: Likely benign. Last evaluated: 2024-11-25. Review status: criteria provided, single submitter. Criteria: ACMG Guidelines, 2015. Collection method: clinical testing. Allele origin: germline.

Mayo Clinic Laboratories, Mayo Clinic
Classification: Benign. Last evaluated: 2022-11-15. Review status: criteria provided, single submitter. Criteria: ACMG Guidelines, 2015. Collection method: clinical testing. Allele origin: germline. Observed: 128 variant alleles.
Comment: BA1

Mendelics
Classification: Benign for Upshaw-Schulman syndrome. Last evaluated: 2019-05-28. Review status: criteria provided, single submitter. Criteria: Mendelics Assertion Criteria 2017. Collection method: clinical testing. Allele origin: unknown.

GeneDx
Classification: Benign. Last evaluated: 2019-04-20. Review status: criteria provided, single submitter. Criteria: GeneDx Variant Classification Process June 2021. Collection method: clinical testing. Allele origin: germline. Affected: yes.
Comment: This variant is associated with the following publications: (PMID: 30046676, 23847193)

Illumina Laboratory Services, Illumina
Classification: Benign for Upshaw-Schulman syndrome. Last evaluated: 2018-01-13. Review status: criteria provided, single submitter. Criteria: ICSL Variant Classification Criteria 13 December 2019. Collection method: clinical testing. Allele origin: germline.
Comment: This variant was observed in the ICSL laboratory as part of a predisposition screen in an ostensibly healthy population. It had not been previously curated by ICSL or reported in the Human Gene Mutation Database (HGMD: prior to June 1st, 2018), and was therefore a candidate for classification through an automated scoring system. Utilizing variant allele frequency, disease prevalence and penetrance estimates, and inheritance mode, an automated score was calculated to assess if this variant is too frequent to cause the disease. Based on the score and internal cut-off values, a variant classified as benign is not then subjected to further curation. The score for this variant resulted in a classification of benign for this disease.

Center for Pediatric Genomic Medicine, Children's Mercy Hospital and Clinics
Classification: Benign. Last evaluated: 2017-01-10. Review status: criteria provided, single submitter. Criteria: ACMG Guidelines, 2015. Collection method: clinical testing. Allele origin: germline.

Breakthrough Genomics
Classification: Likely benign. Review status: criteria provided, single submitter. Criteria: ACMG Guidelines, 2015. Collection method: not provided. Allele origin: germline. Inheritance: Autosomal recessive inheritance. Affected: yes.

PreventionGenetics, part of Exact Sciences
Classification: Benign for ADAMTS13-related condition. Last evaluated: 2022-06-09. Review status: no assertion criteria provided. Collection method: clinical testing. Allele origin: germline. Not counted in ClinVar's aggregate classification.
Comment: This variant is classified as benign based on ACMG/AMP sequence variant interpretation guidelines (Richards et al. 2015 PMID: 25741868, with internal and published modifications).

NM_139027.6(ADAMTS13):c.3287G>A (p.Arg1096His)

Gene: ADAMTS13 (ADAM metallopeptidase with thrombospondin type 1 motif 13; plus strand). Cytogenetic location: 9q34.2.
Variant type: single nucleotide variant.
Coding change: c.3287G>A on transcript NM_139027.6 (MANE Select); coding-DNA position 3287, G replaced by A.
Protein change: p.Arg1096His; replaces arginine 1096 with histidine.
Molecular consequence: missense variant. On other transcripts: non-coding transcript variant (1).
Genome position (GRCh38, 1-based): chr9:133,455,322, G>A. VCF-style: chr9-133455322-G-A. GRCh37 (hg19) VCF-style: chr9-136320444-G-A.
Other names: p.Arg1096His; c.3287G>A, p.Arg1096His (NM_139025.5); c.3194G>A, p.Arg1065His (NM_139026.6); c.3287G>A (NM_139025.3); short protein forms R1096H, R1065H.
Identifiers: ClinVar variation 262445 (VCV000262445.22), dbSNP rs61751476, ClinGen allele CA10587048.